The following is an entry in ClinVar:

ClinVar aggregate classification (germline): Uncertain significance (1 of 4 stars; one submission).

Conditions:
Inborn genetic diseases. Identifiers: MedGen C0950123, MeSH D030342.

Allele frequency attached by ClinVar (database versions not stated): TOPMed below 0.00001.

Submission:

Ambry Genetics
Classification: Uncertain significance for Inborn genetic diseases. Last evaluated: 2024-08-04. Review status: criteria provided, single submitter. Criteria: Ambry Variant Classification Scheme 2023. Collection method: clinical testing. Allele origin: germline.
Comment: The p.D2220E variant (also known as c.6660T>G), located in coding exon 39 of the ATR gene, results from a T to G substitution at nucleotide position 6660. The aspartic acid at codon 2220 is replaced by glutamic acid, an amino acid with highly similar properties. This amino acid position is conserved. In addition, this alteration is predicted to be tolerated by in silico analysis. Since supporting evidence is limited at this time, the clinical significance of this alteration remains unclear.

NM_001184.4(ATR):c.6660T>G (p.Asp2220Glu)

Gene: ATR (ATR checkpoint kinase; minus strand). Cytogenetic location: 3q23.
Variant type: single nucleotide variant.
Coding change: c.6660T>G on transcript NM_001184.4 (MANE Select); coding-DNA position 6660, T replaced by G.
Protein change: p.Asp2220Glu; replaces aspartic acid 2220 with glutamic acid.
Molecular consequence: missense variant.
Genome position (GRCh38, 1-based): chr3:142,467,961, A>C on the plus strand (T>G on the coding strand, the complement: ATR is on the minus strand). VCF-style: chr3-142467961-A-C. GRCh37 (hg19) VCF-style: chr3-142186803-A-C.
Other names: c.6468T>G, p.Asp2156Glu (NM_001354579.2); short protein forms D2156E, D2220E.
Identifiers: ClinVar variation 1754739 (VCV001754739.3), dbSNP rs2071169076, ClinGen allele CA354803375.